The following is an entry in ClinVar:

NM_001005242.3(PKP2):c.743C>T (p.Thr248Ile)

Gene: PKP2 (plakophilin 2; minus strand). Cytogenetic location: 12p11.21.
Variant type: single nucleotide variant.
Coding change: c.743C>T on transcript NM_001005242.3 (MANE Select); coding-DNA position 743, C replaced by T.
Protein change: p.Thr248Ile; replaces threonine 248 with isoleucine.
Molecular consequence: missense variant.
Genome position (GRCh38, 1-based): chr12:32,878,137, G>A on the plus strand (C>T on the coding strand, the complement: PKP2 is on the minus strand). VCF-style: chr12-32878137-G-A. GRCh37 (hg19) VCF-style: chr12-33031071-G-A.
Other names: c.743C>T, p.Thr248Ile (NM_001407155.1, NM_001407156.1, NM_001407157.1 and 2 more transcripts); c.416C>T, p.Thr139Ile (NM_001407158.1, NM_001407159.1, NM_001407160.1 and 1 more transcripts); short protein forms T248I, T139I.
Identifiers: ClinVar variation 2626269 (VCV002626269.2), dbSNP rs1956951485, ClinGen allele CA384362822.

ClinVar aggregate classification (germline): Uncertain significance (1 of 4 stars; one submission).

Conditions:
Cardiovascular phenotype. Identifiers: MedGen CN230736.

Submission:

Ambry Genetics
Classification: Uncertain significance for Cardiovascular phenotype. Last evaluated: 2023-09-21. Review status: criteria provided, single submitter. Criteria: Ambry Variant Classification Scheme 2023. Collection method: clinical testing. Allele origin: germline.
Comment: The p.T248I variant (also known as c.743C>T), located in coding exon 3 of the PKP2 gene, results from a C to T substitution at nucleotide position 743. The threonine at codon 248 is replaced by isoleucine, an amino acid with similar properties. This amino acid position is conserved. In addition, the in silico prediction for this alteration is inconclusive. Since supporting evidence is limited at this time, the clinical significance of this alteration remains unclear.